The following is an entry in ClinVar:

ClinVar aggregate classification (germline): Uncertain significance (1 of 4 stars; one submission).

Submission:

Labcorp Genetics (formerly Invitae), Labcorp
Classification: Uncertain significance. Last evaluated: 2022-10-03. Review status: criteria provided, single submitter. Criteria: Invitae Variant Classification Sherloc (09022015). Collection method: clinical testing. Allele origin: germline.
Comment: ClinVar contains an entry for this variant (Variation ID: 1471206). In summary, the available evidence is currently insufficient to determine the role of this variant in disease. Therefore, it has been classified as a Variant of Uncertain Significance. This variant has not been reported in the literature in individuals affected with RIPK1-related conditions. This variant is not present in population databases (gnomAD no frequency). This sequence change disrupts the translational stop signal of the RIPK1 mRNA. It is expected to extend the length of the RIPK1 protein by 15 additional amino acid residues.

NM_001354930.2(RIPK1):c.2014_*1del (p.Ter672ProextTer?)

Gene: RIPK1 (receptor interacting serine/threonine kinase 1; plus strand). Cytogenetic location: 6p25.2.
Variant type: Deletion.
Coding change: c.2014_*1del on transcript NM_001354930.2 (MANE Select); coding-DNA position 2014 through 1 bases downstream of the stop codon, 4 bases deleted (TAAC; older notation c.2014_*1delTAAC).
Protein change: p.Ter672ProextTer?.
Molecular consequence: frameshift variant, stop lost.
Genome position (GRCh38, 1-based): chr6:3,113,337-3,113,340, TAAC deleted; deleting any 4 consecutive bases within chr6:3,113,334-3,113,340 gives the same sequence; the c. name uses the placement nearest the transcript's 3' end. VCF-style (leftmost placement, unchanged base first): chr6-3113333-GAACT-G. GRCh37 (hg19) VCF-style: chr6-3113567-GAACT-G.
Other names: c.1525_*1del, p.Ter509ProextTer? (NM_001317061.3, NM_001354932.2, NM_001354933.2 and 1 more transcripts); c.1876_*1del, p.Ter626ProextTer? (NM_001354931.2); c.2014_*1del, p.Ter672ProextTer? (NM_003804.6).
Identifiers: ClinVar variation 1471206 (VCV001471206.6), dbSNP rs2113727179, ClinGen allele CA2573140276.